The following is an entry in ClinVar:

ClinVar aggregate classification (germline): Uncertain significance. Review status: criteria provided, multiple submitters, no conflicts (2 of 4 stars). 2 submissions from 2 submitters: Uncertain significance (2). Last evaluated 2022-06-07.

gnomAD v4.1: 5 of 1,613,534 alleles (0.00031%); highest among the groups gnomAD compares: Non-Finnish European, 0.00017%; no homozygotes.

Submissions (2):

Labcorp Genetics (formerly Invitae), Labcorp
Classification: Uncertain significance. Last evaluated: 2022-06-07. Review status: criteria provided, single submitter. Criteria: Invitae Variant Classification Sherloc (09022015). Collection method: clinical testing. Allele origin: germline.
Comment: Advanced modeling of protein sequence and biophysical properties (such as structural, functional, and spatial information, amino acid conservation, physicochemical variation, residue mobility, and thermodynamic stability) performed at Invitae indicates that this missense variant is not expected to disrupt NOTCH3 protein function. This sequence change replaces leucine, which is neutral and non-polar, with methionine, which is neutral and non-polar, at codon 541 of the NOTCH3 protein (p.Leu541Met). The frequency data for this variant in the population databases is considered unreliable, as metrics indicate poor data quality at this position in the gnomAD database. This variant has not been reported in the literature in individuals affected with NOTCH3-related conditions. ClinVar contains an entry for this variant (Variation ID: 1256491). In summary, the available evidence is currently insufficient to determine the role of this variant in disease. Therefore, it has been classified as a Variant of Uncertain Significance.

Athena Diagnostics
Classification: Uncertain significance. Last evaluated: 2020-12-23. Review status: criteria provided, single submitter. Criteria: Athena Diagnostics criteria. Collection method: clinical testing. Allele origin: unknown.

NM_000435.3(NOTCH3):c.1621C>A (p.Leu541Met)

Gene: NOTCH3 (notch receptor 3; minus strand). Cytogenetic location: 19p13.12.
Variant type: single nucleotide variant.
Coding change: c.1621C>A on transcript NM_000435.3 (MANE Select); coding-DNA position 1621, C replaced by A.
Protein change: p.Leu541Met; replaces leucine 541 with methionine.
Molecular consequence: missense variant.
Genome position (GRCh38, 1-based): chr19:15,187,324, G>T on the plus strand (C>A on the coding strand, the complement: NOTCH3 is on the minus strand). VCF-style: chr19-15187324-G-T. GRCh37 (hg19) VCF-style: chr19-15298135-G-T.
Other names: short protein forms L541M.
Identifiers: ClinVar variation 1256491 (VCV001256491.6), dbSNP rs1410670785, ClinGen allele CA404526126.